The following is an entry in ClinVar:

NM_152384.3(BBS5):c.468A>G (p.Pro156=)

Gene: BBS5 (Bardet-Biedl syndrome 5; plus strand). Cytogenetic location: 2q31.1.
Variant type: single nucleotide variant.
Coding change: c.468A>G on transcript NM_152384.3 (MANE Select); coding-DNA position 468, A replaced by G.
Protein change: p.Pro156=; no amino-acid change (proline 156 retained).
Molecular consequence: synonymous variant.
Genome position (GRCh38, 1-based): chr2:169,492,955, A>G. VCF-style: chr2-169492955-A-G. GRCh37 (hg19) VCF-style: chr2-170349465-A-G.
Identifiers: ClinVar variation 417200 (VCV000417200.16), dbSNP rs200636409, ClinGen allele CA1956212.
Genomic context (GRCh38, chr2:169,492,955, plus strand): 5'-GTATCGTGATTTTAAATTAAGAAGTGCACTAATTCAGAACAAGCAACTAAGACTGTTGCC[A>G]CAAGAACATGTATATGATAAAATAAATGGAGTTTGGAATTTATCCAGTGATCAGGTATTG-3'
Protein context (NP_689597.1, residues 146-166): LIQNKQLRLL[Pro156=]QEHVYDKING

ClinVar aggregate classification (germline): Likely benign. Review status: criteria provided, multiple submitters, no conflicts (2 of 4 stars). 5 submissions from 5 submitters: Likely benign (4). 1 of the submissions does not count toward it. Last evaluated 2026-01-20.

Conditions:
Bardet-Biedl syndrome (BBS). Identifiers: Orphanet 110, MedGen C0752166, MONDO:0015229.
Bardet-Biedl syndrome 5 (BBS5). Identifiers: Orphanet 110, MedGen C3892039, MONDO:0014434, OMIM 615983.
BBS5-related disorder. Also called: BBS5-related condition.

Allele frequency attached by ClinVar (database versions not stated): gnomAD 0.00017; TOPMed 0.00020; gnomAD exomes 0.00021 and 0.00039; ESP Exome Variant Server 0.00031; ExAC 0.00037.
gnomAD v4.1: 360 of 1,613,478 alleles (0.022%); highest among the groups gnomAD compares: Non-Finnish European, 0.01%; 3 homozygotes.

Submissions (5):

Labcorp Genetics (formerly Invitae), Labcorp
Classification: Likely benign for Bardet-Biedl syndrome. Last evaluated: 2026-01-20. Review status: criteria provided, single submitter. Criteria: Invitae Variant Classification Sherloc (09022015). Collection method: clinical testing. Allele origin: germline.

Blueprint Genetics
Classification: Likely benign. Last evaluated: 2024-10-25. Review status: criteria provided, single submitter. Criteria: ACMG Guidelines, 2015. Collection method: clinical testing. Allele origin: germline.

Fulgent Genetics
Classification: Likely benign for Bardet-Biedl syndrome 5. Last evaluated: 2021-09-15. Review status: criteria provided, single submitter. Criteria: ACMG Guidelines, 2015. Collection method: clinical testing. Allele origin: unknown.

Breakthrough Genomics
Classification: Likely benign. Review status: criteria provided, single submitter. Criteria: ACMG Guidelines, 2015. Collection method: not provided. Allele origin: germline. Inheritance: Autosomal recessive inheritance. Affected: yes.

PreventionGenetics, part of Exact Sciences
Classification: Benign for BBS5-related condition. Last evaluated: 2019-09-19. Review status: no assertion criteria provided. Collection method: clinical testing. Allele origin: germline. Not counted in ClinVar's aggregate classification.
Comment: This variant is classified as benign based on ACMG/AMP sequence variant interpretation guidelines (Richards et al. 2015 PMID: 25741868, with internal and published modifications).